The following is an entry in ClinVar:

ClinVar aggregate classification (germline): Likely benign (1 of 4 stars; one submission).

Submission:

Mayo Clinic Laboratories, Mayo Clinic
Classification: Likely benign. Last evaluated: 2025-07-18. Review status: criteria provided, single submitter. Criteria: ACMG Guidelines, 2015. Collection method: clinical testing. Allele origin: germline. Observed: 1 variant allele.
Comment: BP4, BP7, PM2_supporting

NM_001365276.2(TNXB):c.12330G>T (p.Leu4110=)

Genes: TNXB (tenascin XB; minus strand), LOC106780803 (tenascin XB recombination region; plus strand). Cytogenetic location: 6p21.33.
Variant type: single nucleotide variant.
Coding change: c.12330G>T on transcript NM_001365276.2 (MANE Select); coding-DNA position 12330, G replaced by T.
Protein change: p.Leu4110=; no amino-acid change (leucine 4110 retained).
Molecular consequence: synonymous variant.
Genome position (GRCh38, 1-based): chr6:32,042,151, C>A on the plus strand (G>T on the coding strand, the complement: TNXB is on the minus strand). VCF-style: chr6-32042151-C-A. GRCh37 (hg19) VCF-style: chr6-32009928-C-A.
Other names: p.Leu4108=; c.13071G>T, p.Leu4357= (NM_001428335.1); c.12324G>T, p.Leu4108= (NM_019105.8); c.1617G>T, p.Leu539= (NM_032470.4).
Identifiers: ClinVar variation 4684929 (VCV004684929.1).